The following is an entry in ClinVar:

ClinVar aggregate classification (germline): Uncertain significance (1 of 4 stars; one submission).

Conditions:
Infantile-onset X-linked spinal muscular atrophy. Also called: ARTHROGRYPOSIS, X-LINKED, TYPE I; SPINAL MUSCULAR ATROPHY, X-LINKED LETHAL INFANTILE; AMC, DISTAL, X-LINKED; Spinal muscular atrophy, X-linked 2; Spinal Muscular Atrophy, X-Linked Infantile. Identifiers: Orphanet 1145, MedGen C1844934, MONDO:0010532, OMIM 301830.

Submission:

Labcorp Genetics (formerly Invitae), Labcorp
Classification: Uncertain significance for Infantile-onset X-linked spinal muscular atrophy. Last evaluated: 2024-12-02. Review status: criteria provided, single submitter. Criteria: Invitae Variant Classification Sherloc (09022015). Collection method: clinical testing. Allele origin: germline.
Comment: This sequence change replaces serine, which is neutral and polar, with leucine, which is neutral and non-polar, at codon 251 of the UBA1 protein (p.Ser251Leu). Information on the frequency of this variant in the gnomAD database is not available, as this variant may be reported differently in the database. This variant has not been reported in the literature in individuals affected with UBA1-related conditions. An algorithm developed to predict the effect of missense changes on protein structure and function (PolyPhen-2) suggests that this variant is likely to be tolerated. In summary, the available evidence is currently insufficient to determine the role of this variant in disease. Therefore, it has been classified as a Variant of Uncertain Significance.

NM_003334.4(UBA1):c.752_753inv (p.Ser251Leu)

Gene: UBA1 (ubiquitin like modifier activating enzyme 1; plus strand). Cytogenetic location: Xp11.3.
Variant type: Inversion.
Coding change: c.752_753inv on transcript NM_003334.4 (MANE Select).
Protein change: p.Ser251Leu; replaces serine 251 with leucine.
Molecular consequence: missense variant.
Genome position: GRCh38 VCF-style: chrX-47201551-CA-TG. GRCh37 (hg19) VCF-style: chrX-47060950-CA-TG.
Other names: c.752_753inv, p.Ser251Leu (NM_153280.3); short protein forms S251L.
Identifiers: ClinVar variation 3665392 (VCV003665392.2).